The following is an entry in ClinVar:

NM_000760.4(CSF3R):c.1558_1559delinsAA (p.Ala520Asn)

Gene: CSF3R (colony stimulating factor 3 receptor; minus strand). Cytogenetic location: 1p34.3.
Variant type: Indel.
Coding change: c.1558_1559delinsAA on transcript NM_000760.4 (MANE Select); coding-DNA positions 1558 to 1559, GC replaced by AA.
Protein change: p.Ala520Asn; replaces alanine 520 with asparagine.
Molecular consequence: missense variant.
Genome position (GRCh38, 1-based): chr1:36,469,173-36,469,174, GC replaced by TT on the plus strand (GC replaced by AA on the coding strand, the reverse complement: CSF3R is on the minus strand). VCF-style: chr1-36469173-GC-TT. GRCh37 (hg19) VCF-style: chr1-36934774-GC-TT.
Other names: c.1558_1559delinsAA, p.Ala520Asn (NM_156039.3, NM_172313.3); short protein forms A520N.
Identifiers: ClinVar variation 2835566 (VCV002835566.3), dbSNP rs2521750706, ClinGen allele CA2739272461.

ClinVar aggregate classification (germline): Uncertain significance (1 of 4 stars; one submission).

Conditions:
Autosomal recessive severe congenital neutropenia due to CSF3R deficiency. Also called: Neutropenia, severe congenital, 7, autosomal recessive. Identifiers: Orphanet 420702, MedGen C4310764, MONDO:0014865, OMIM 617014.

Submission:

Labcorp Genetics (formerly Invitae), Labcorp
Classification: Uncertain significance for Autosomal recessive severe congenital neutropenia due to CSF3R deficiency. Last evaluated: 2025-06-27. Review status: criteria provided, single submitter. Criteria: Invitae Variant Classification Sherloc (09022015). Collection method: clinical testing. Allele origin: germline.
Comment: This sequence change replaces alanine, which is neutral and non-polar, with asparagine, which is neutral and polar, at codon 520 of the CSF3R protein (p.Ala520Asn). Information on the frequency of this variant in the gnomAD database is not available, as this variant may be reported differently in the database. This variant has not been reported in the literature in individuals affected with CSF3R-related conditions. ClinVar contains an entry for this variant (Variation ID: 2835566). An algorithm developed to predict the effect of missense changes on protein structure and function (PolyPhen-2) suggests that this variant is likely to be disruptive. In summary, the available evidence is currently insufficient to determine the role of this variant in disease. Therefore, it has been classified as a Variant of Uncertain Significance.